The following is an entry in ClinVar:

ClinVar aggregate classification (germline): Likely benign (1 of 4 stars; one submission).

gnomAD v4.1: 823 of 1,613,786 alleles (0.051%); highest among the groups gnomAD compares: Non-Finnish European, 0.066%; no homozygotes.

Submission:

CeGaT Center for Human Genetics Tuebingen
Classification: Likely benign. Last evaluated: 2026-07-01. Review status: criteria provided, single submitter. Criteria: CeGaT Center For Human Genetics Tuebingen Variant Classification Criteria Version 2. Collection method: clinical testing. Allele origin: germline. Affected: yes. Observed: 1 variant allele.
Comment: DENND6A: BP4

NM_152678.3(DENND6A):c.1709G>C (p.Arg570Pro)

Genes: DENND6A (DENN domain containing 6A; minus strand), PDE12 (phosphodiesterase 12; plus strand). Cytogenetic location: 3p14.3.
Variant type: single nucleotide variant.
Coding change: c.1709G>C on transcript NM_152678.3 (MANE Select); coding-DNA position 1709, G replaced by C.
Protein change: p.Arg570Pro; replaces arginine 570 with proline.
Molecular consequence: missense variant. On other transcripts: intron variant (1).
Genome position (GRCh38, 1-based): chr3:57,628,332, C>G on the plus strand (G>C on the coding strand, the complement: DENND6A is on the minus strand). VCF-style: chr3-57628332-C-G. GRCh37 (hg19) VCF-style: chr3-57614059-C-G.
Other names: c.1388-26292C>G (NM_001322176.2); short protein forms R570P.
Identifiers: ClinVar variation 5038644 (VCV005038644.1).